The following is an entry in ClinVar:

NM_198253.3(TERT):c.1475A>G (p.Lys492Arg)

Gene: TERT (telomerase reverse transcriptase; minus strand). Cytogenetic location: 5p15.33.
Variant type: single nucleotide variant.
Coding change: c.1475A>G on transcript NM_198253.3 (MANE Select); coding-DNA position 1475, A replaced by G.
Protein change: p.Lys492Arg; replaces lysine 492 with arginine.
Molecular consequence: missense variant. On other transcripts: non-coding transcript variant (2).
Genome position (GRCh38, 1-based): chr5:1,293,411, T>C on the plus strand (A>G on the coding strand, the complement: TERT is on the minus strand). VCF-style: chr5-1293411-T-C. GRCh37 (hg19) VCF-style: chr5-1293526-T-C.
Other names: c.1475A>G, p.Lys492Arg (NM_001193376.3); short protein forms K492R.
Identifiers: ClinVar variation 4865478 (VCV004865478.1).
Genomic context (GRCh38, chr5:1,293,411, plus strand): 5'-ATCTTCCACGTCAGCTCCTGCAGCGAGAGCTTGGCATGCTTCCCCAGGGAGATGAACTTC[T>C]TGGTGTTCCTGAGGAAGCGGCGTTCGTTGTGCCTGGAGCCCCAGAGGCCTGGGGGCACCA-3'
Protein context (NP_937983.2, residues 482-502): HNERRFLRNT[Lys492Arg]KFISLGKHAK

ClinVar aggregate classification (germline): Uncertain significance (1 of 4 stars; one submission).

Conditions:
Dyskeratosis congenita. Identifiers: Orphanet 1775, MedGen C0265965, MONDO:0015780.

Submission:

Ambry Genetics
Classification: Uncertain significance for Dyskeratosis congenita. Last evaluated: 2026-05-14. Review status: criteria provided, single submitter. Criteria: Ambry Variant Classification Scheme 2023. Collection method: clinical testing. Allele origin: germline.
Comment: The p.K492R variant (also known as c.1475A>G), located in coding exon 2 of the TERT gene, results from an A to G substitution at nucleotide position 1475. The lysine at codon 492 is replaced by arginine, an amino acid with highly similar properties. This amino acid position is conserved. In addition, the in silico prediction for this alteration is inconclusive. Based on the available evidence, the clinical significance of this variant remains unclear.